The following is an entry in ClinVar:

ClinVar aggregate classification (germline): Uncertain significance (1 of 4 stars; one submission).

Conditions:
Hereditary cancer-predisposing syndrome. Also called: Neoplastic Syndromes, Hereditary; Tumor predisposition; Hereditary neoplastic syndrome; Hereditary Cancer Syndrome. Identifiers: Orphanet 140162, MedGen C0027672, MeSH D009386, MONDO:0015356.

Submission:

Ambry Genetics
Classification: Uncertain significance for Hereditary cancer-predisposing syndrome. Last evaluated: 2025-03-26. Review status: criteria provided, single submitter. Criteria: Ambry Variant Classification Scheme 2023. Collection method: clinical testing. Allele origin: germline.
Comment: The p.R203M variant (also known as c.608G>T), located in coding exon 1 of the ALK gene, results from a G to T substitution at nucleotide position 608. The arginine at codon 203 is replaced by methionine, an amino acid with similar properties. This amino acid position is conserved. In addition, the in silico prediction for this alteration is inconclusive. Based on the available evidence, the clinical significance of this variant remains unclear.

NM_004304.5(ALK):c.608G>T (p.Arg203Met)

Gene: ALK (ALK receptor tyrosine kinase; minus strand). Cytogenetic location: 2p23.1.
Variant type: single nucleotide variant.
Coding change: c.608G>T on transcript NM_004304.5 (MANE Select); coding-DNA position 608, G replaced by T.
Protein change: p.Arg203Met; replaces arginine 203 with methionine.
Molecular consequence: missense variant.
Genome position (GRCh38, 1-based): chr2:29,920,052, C>A on the plus strand (G>T on the coding strand, the complement: ALK is on the minus strand). VCF-style: chr2-29920052-C-A. GRCh37 (hg19) VCF-style: chr2-30142918-C-A.
Other names: short protein forms R203M.
Identifiers: ClinVar variation 4040368 (VCV004040368.1).
Genomic context (GRCh38, chr2:29,920,052, plus strand): 5'-CCAGTCCCGAAGATCTGGAAGAGAAGGCGGGGCTGGGAGGCGCGAATTGCCGCGGACAGC[C>A]TTCCCTCTCTGCCCACTTCCGACGCCTTCTTCTCGGGCATCAGGCGGATCCTCAGTCGCC-3'
Protein context (NP_004295.2, residues 193-213): KKASEVGREG[Arg203Met]LSAAIRASQP